The following is an entry in ClinVar:

ClinVar aggregate classification (germline): Uncertain significance (1 of 4 stars; one submission).

Conditions:
CHAMP1-related disorder. Also called: CHAMP1-related condition.

Submission:

PreventionGenetics, part of Exact Sciences
Classification: Uncertain significance for CHAMP1-related condition. Last evaluated: 2022-11-14. Review status: criteria provided, single submitter. Criteria: ACMG Guidelines, 2015. Collection method: clinical testing. Allele origin: germline.
Comment: The CHAMP1 c.1777G>A variant is predicted to result in the amino acid substitution p.Asp593Asn. To our knowledge, this variant has not been reported in the literature or in a large population database, indicating this variant is rare. At this time, the clinical significance of this variant is uncertain due to the absence of conclusive functional and genetic evidence.

NM_032436.4(CHAMP1):c.1777G>A (p.Asp593Asn)

Gene: CHAMP1 (chromosome alignment maintaining phosphoprotein 1; plus strand). Cytogenetic location: 13q34.
Variant type: single nucleotide variant.
Coding change: c.1777G>A on transcript NM_032436.4 (MANE Select); coding-DNA position 1777, G replaced by A.
Protein change: p.Asp593Asn; replaces aspartic acid 593 with asparagine.
Molecular consequence: missense variant.
Genome position (GRCh38, 1-based): chr13:114,325,619, G>A. VCF-style: chr13-114325619-G-A. GRCh37 (hg19) VCF-style: chr13-115091094-G-A.
Other names: c.1777G>A, p.Asp593Asn (NM_001164144.3, NM_001164145.3); short protein forms D593N.
Identifiers: ClinVar variation 2635584 (VCV002635584.1), dbSNP rs2503203362, ClinGen allele CA388849663.
Genomic context (GRCh38, chr13:114,325,619, plus strand): 5'-CAGAAGGCTGTTGAGCTTGGTGATGAACTACAAATAGATGCCATAGATGATCAAAAATGT[G>A]ATATTTTGGTTCAGGAAGAACTTCTAGCTTCACCTAAGAAACTCTTAGAAGATACTTTAT-3'
Protein context (NP_115812.1, residues 583-603): QIDAIDDQKC[Asp593Asn]ILVQEELLAS